The following is an entry in ClinVar:

NM_006379.5(SEMA3C):c.-32del

Gene: SEMA3C (semaphorin 3C; minus strand). Cytogenetic location: 7q21.11.
Variant type: Deletion.
Coding change: c.-32del on transcript NM_006379.5 (MANE Select); 32 bases upstream of the start codon, one base deleted (T; older notation c.-32delT).
Molecular consequence: 5 prime UTR variant. On other transcripts: frameshift variant (1).
Genome position (GRCh38, 1-based): chr7:80,916,813, A deleted on the plus strand (T on the coding strand, the reverse complement: SEMA3C is on the minus strand); the first of 4 consecutive A bases (chr7:80,916,813-80,916,816); deleting any one gives the same sequence. VCF-style (leftmost placement, unchanged base first): chr7-80916812-GA-G. GRCh37 (hg19) VCF-style: chr7-80546128-GA-G.
Other names: c.23del, p.Phe8fs (NM_001350120.2); c.-294del (NM_001350121.2); short protein forms F8fs.
Identifiers: ClinVar variation 4986793 (VCV004986793.1).

ClinVar aggregate classification (germline): Uncertain significance (1 of 4 stars; one submission).

Conditions:
SEMA3C-related disorder. Also called: SEMA3C-related condition.

Submission:

PreventionGenetics, part of Exact Sciences
Classification: Uncertain significance for SEMA3C-related condition. Last evaluated: 2025-05-27. Review status: criteria provided, single submitter. Criteria: ACMG Guidelines, 2015. Collection method: clinical testing. Allele origin: germline.
Comment: The SEMA3C c.23delT variant is predicted to result in a frameshift and premature protein termination (p.Phe8Serfs*5). To our knowledge, this variant has not been reported in the literature. This variant is reported in 0.00088% of alleles in individuals of European (Non-Finnish) descent in gnomAD. At this time, the clinical significance of this variant is uncertain due to the absence of conclusive functional and genetic evidence.